The following is an entry in ClinVar:

NM_015102.5(NPHP4):c.787C>A (p.His263Asn)

Gene: NPHP4 (nephrocystin 4; minus strand). Cytogenetic location: 1p36.31.
Variant type: single nucleotide variant.
Coding change: c.787C>A on transcript NM_015102.5 (MANE Select); coding-DNA position 787, C replaced by A.
Protein change: p.His263Asn; replaces histidine 263 with asparagine.
Molecular consequence: missense variant. On other transcripts: 5 prime UTR variant (1), non-coding transcript variant (1), intron variant (1).
Genome position (GRCh38, 1-based): chr1:5,952,723, G>T on the plus strand (C>A on the coding strand, the complement: NPHP4 is on the minus strand). VCF-style: chr1-5952723-G-T. GRCh37 (hg19) VCF-style: chr1-6012783-G-T.
Other names: c.787C>A (NM_015102.4); c.-580C>A (NM_001291594.2); c.-556-4472C>A (NM_001291593.2); short protein forms H263N.
Identifiers: ClinVar variation 2484836 (VCV002484836.3), dbSNP rs1213344668, ClinGen allele CA338066674.

ClinVar aggregate classification (germline): Uncertain significance. Review status: criteria provided, multiple submitters, no conflicts (2 of 4 stars). 2 submissions from 2 submitters: Uncertain significance (2). Last evaluated 2024-10-28.

Conditions:
NPHP4-related disorder. Also called: NPHP4-related condition; NPHP4-related disorders. Identifiers: MedGen CN239384.
Inborn genetic diseases. Identifiers: MedGen C0950123, MeSH D030342.

Allele frequency attached by ClinVar (database versions not stated): TOPMed below 0.00001.

Submissions (2):

PreventionGenetics, part of Exact Sciences
Classification: Uncertain significance for NPHP4-related condition. Last evaluated: 2024-10-28. Review status: criteria provided, single submitter. Criteria: ACMG Guidelines, 2015. Collection method: clinical testing. Allele origin: germline.
Comment: The NPHP4 c.787C>A variant is predicted to result in the amino acid substitution p.His263Asn. To our knowledge, this variant has not been reported in the literature or in a large population database (gnomAD), indicating this variant is rare. At this time, the clinical significance of this variant is uncertain due to the absence of conclusive functional and genetic evidence.

Ambry Genetics
Classification: Uncertain significance for Inborn genetic diseases. Last evaluated: 2023-02-15. Review status: criteria provided, single submitter. Criteria: Ambry Variant Classification Scheme 2023. Collection method: clinical testing. Allele origin: germline.